The following is an entry in ClinVar:

ClinVar aggregate classification (germline): Pathogenic (1 of 4 stars; one submission).

Submission:

GeneDx
Classification: Pathogenic. Last evaluated: 2018-01-19. Review status: criteria provided, single submitter. Criteria: GeneDx Variant Classification (06012015). Collection method: clinical testing. Allele origin: germline. Affected: yes.
Comment: The c.453+1 G>C splice site variant in the PLP1 gene destroys the canonical splice donor site in intron 3. It is predicted to cause abnormal gene splicing, either leading to an abnormal message that is subject to nonsense-mediated mRNA decay, or to an abnormal protein product if the message is used for protein translation. The c.453+1 G>C variant is not observed in large population cohorts (Lek et al., 2016).

NM_000533.5(PLP1):c.453+1G>C

Genes: PLP1 (proteolipid protein 1; plus strand), RAB9B (RAB9B, member RAS oncogene family; minus strand). Cytogenetic location: Xq22.2.
Variant type: single nucleotide variant.
Coding change: c.453+1G>C on transcript NM_000533.5 (MANE Select); the canonical splice donor site of the intron after coding-DNA position 453, G replaced by C.
Molecular consequence: splice donor variant. On other transcripts: intron variant (1).
Genome position (GRCh38, 1-based): chrX:103,786,727, G>C. VCF-style: chrX-103786727-G-C. GRCh37 (hg19) VCF-style: chrX-103041656-G-C.
Other names: c.453+1G>C (NM_001128834.3); c.348+106G>C (NM_199478.3); c.288+1G>C (NM_001305004.1).
Identifiers: ClinVar variation 489362 (VCV000489362.1), dbSNP rs113345335, ClinGen allele CA334001175.